The following is an entry in ClinVar:

ClinVar aggregate classification (germline): Likely pathogenic (1 of 4 stars; one submission).

Conditions:
Medium-chain acyl-coenzyme A dehydrogenase deficiency (ACADMD). Also called: ACADM DEFICIENCY; CARNITINE DEFICIENCY SECONDARY TO MEDIUM-CHAIN ACYL-CoA DEHYDROGENASE DEFICIENCY; Medium chain acyl-CoA dehydrogenase deficiency; MCADH DEFICIENCY; MCADD; MCAD Deficiency. Identifiers: Orphanet 42, MedGen C0220710, MONDO:0008721, OMIM 201450.

gnomAD v4.1: 1 of 1,613,796 alleles (0.000062%); no homozygotes.

Submission:

Natera, Inc.
Classification: Likely pathogenic for Medium Chain Acyl-CoA Dehydrogenase Deficiency. Last evaluated: 2025-12-30. Review status: criteria provided, single submitter. Criteria: Natera Variant Classification Schema (03/2026). Collection method: clinical testing. Allele origin: germline.
Comment: The c.286+1G>C variant in ACADM is a canonical splice donor site variant predicted to affect pre-mRNA splicing, which may result in an abnormal transcript and altered protein product. This variant is expected to result in nonsense mediated decay, truncation, or a dysfunctional protein product. This variant is rare in the general population with a frequency below the threshold expected for the associated phenotype(s). This variant has been observed in one or more individuals affected with the associated recessive disease, as either homozygous or compound heterozygous with a second variant (PMID: 33580884). Given the available evidence, this variant is classified as Likely Pathogenic.

Literature cited by the submitters: PubMed 33580884.

NM_000016.6(ACADM):c.286+1G>C

Gene: ACADM (acyl-CoA dehydrogenase medium chain; plus strand). Cytogenetic location: 1p31.1.
Variant type: single nucleotide variant.
Coding change: c.286+1G>C on transcript NM_000016.6 (MANE Select); the canonical splice donor site of the intron after coding-DNA position 286, G replaced by C.
Molecular consequence: splice donor variant.
Genome position (GRCh38, 1-based): chr1:75,732,923, G>C. VCF-style: chr1-75732923-G-C. GRCh37 (hg19) VCF-style: chr1-76198608-G-C.
Other names: c.298+1G>C (NM_001127328.3); c.286+1G>C (NM_001286043.2); c.178+1G>C (NM_001286042.2); c.-100+1G>C (NM_001286044.2).
Identifiers: ClinVar variation 4818289 (VCV004818289.1).